The following is an entry in ClinVar:

ClinVar aggregate classification (germline): Uncertain significance. Review status: criteria provided, multiple submitters, no conflicts (2 of 4 stars). 2 submissions from 2 submitters: Uncertain significance (2). Last evaluated 2025-03-20.

Allele frequency attached by ClinVar (database versions not stated): gnomAD 0.00002.
gnomAD v4.1: 7 of 1,614,126 alleles (0.00043%); highest among the groups gnomAD compares: African/African-American, 0.0093%; no homozygotes.

Submissions (2):

Labcorp Genetics (formerly Invitae), Labcorp
Classification: Uncertain significance. Last evaluated: 2025-03-20. Review status: criteria provided, single submitter. Criteria: Invitae Variant Classification Sherloc (09022015). Collection method: clinical testing. Allele origin: germline.
Comment: This sequence change replaces leucine, which is neutral and non-polar, with valine, which is neutral and non-polar, at codon 890 of the NIN protein (p.Leu890Val). This variant is present in population databases (no rsID available, gnomAD 0.007%). This variant has not been reported in the literature in individuals affected with NIN-related conditions. ClinVar contains an entry for this variant (Variation ID: 2889370). An algorithm developed to predict the effect of missense changes on protein structure and function (PolyPhen-2) suggests that this variant is likely to be disruptive. In summary, the available evidence is currently insufficient to determine the role of this variant in disease. Therefore, it has been classified as a Variant of Uncertain Significance.

Ambry Genetics
Classification: Uncertain significance. Last evaluated: 2024-03-15. Review status: criteria provided, single submitter. Criteria: Ambry Variant Classification Scheme 2023. Collection method: clinical testing. Allele origin: germline.

NM_020921.4(NIN):c.2668C>G (p.Leu890Val)

Gene: NIN (ninein; minus strand). Cytogenetic location: 14q22.1.
Variant type: single nucleotide variant.
Coding change: c.2668C>G on transcript NM_020921.4 (MANE Select); coding-DNA position 2668, C replaced by G.
Protein change: p.Leu890Val; replaces leucine 890 with valine.
Molecular consequence: missense variant. On other transcripts: intron variant (1).
Genome position (GRCh38, 1-based): chr14:50,758,362, G>C on the plus strand (C>G on the coding strand, the complement: NIN is on the minus strand). VCF-style: chr14-50758362-G-C. GRCh37 (hg19) VCF-style: chr14-51225080-G-C.
Other names: c.2668C>G, p.Leu890Val (NM_182944.3, NM_182946.2); c.2399+1495C>G (NM_016350.5); c.2668C>G (NM_020921.3); short protein forms L890V.
Identifiers: ClinVar variation 2889370 (VCV002889370.4), dbSNP rs981176067, ClinGen allele CA260831023.